The following is an entry in ClinVar:

ClinVar aggregate classification (germline): Uncertain significance. Review status: criteria provided, multiple submitters, no conflicts (2 of 4 stars). 2 submissions from 2 submitters: Uncertain significance (2). Last evaluated 2025-07-09.

Conditions:
Conotruncal heart malformations (CTHM). Also called: Conotruncal heart malformations, variable. Identifiers: Orphanet 2445, Orphanet 3384, Orphanet 3426, MedGen C1857586, MONDO:0016581, OMIM 217095.

Allele frequency attached by ClinVar (database versions not stated): ExAC 0.00009; gnomAD 0.00036; 1000 Genomes Project 0.00040; TOPMed 0.00045; 1000 Genomes Project 30x 0.00047.
gnomAD v4.1: 132 of 1,555,850 alleles (0.0085%); highest among the groups gnomAD compares: African/African-American, 0.11%; no homozygotes.

Submissions (2):

Labcorp Genetics (formerly Invitae), Labcorp
Classification: Uncertain significance for Conotruncal heart malformations. Last evaluated: 2025-07-09. Review status: criteria provided, single submitter. Criteria: Invitae Variant Classification Sherloc (09022015). Collection method: clinical testing. Allele origin: germline.
Comment: This sequence change replaces arginine, which is basic and polar, with leucine, which is neutral and non-polar, at codon 155 of the NKX2-6 protein (p.Arg155Leu). This variant is present in population databases (rs534202593, gnomAD 0.1%), and has an allele count higher than expected for a pathogenic variant. This variant has not been reported in the literature in individuals affected with NKX2-6-related conditions. ClinVar contains an entry for this variant (Variation ID: 570512). Invitae Evidence Modeling of protein sequence and biophysical properties (such as structural, functional, and spatial information, amino acid conservation, physicochemical variation, residue mobility, and thermodynamic stability) indicates that this missense variant is expected to disrupt NKX2-6 protein function with a positive predictive value of 80%. In summary, the available evidence is currently insufficient to determine the role of this variant in disease. Therefore, it has been classified as a Variant of Uncertain Significance.

Blueprint Genetics
Classification: Uncertain significance. Last evaluated: 2022-05-24. Review status: criteria provided, single submitter. Criteria: ACMG Guidelines, 2015. Collection method: clinical testing. Allele origin: germline.

NM_001136271.3(NKX2-6):c.464G>T (p.Arg155Leu)

Gene: NKX2-6 (NK2 homeobox 6; minus strand). Cytogenetic location: 8p21.2.
Variant type: single nucleotide variant.
Coding change: c.464G>T on transcript NM_001136271.3 (MANE Select); coding-DNA position 464, G replaced by T.
Protein change: p.Arg155Leu; replaces arginine 155 with leucine.
Molecular consequence: missense variant.
Genome position (GRCh38, 1-based): chr8:23,702,893, C>A on the plus strand (G>T on the coding strand, the complement: NKX2-6 is on the minus strand). VCF-style: chr8-23702893-C-A. GRCh37 (hg19) VCF-style: chr8-23560406-C-A.
Other names: short protein forms R155L.
Identifiers: ClinVar variation 570512 (VCV000570512.9), dbSNP rs534202593, ClinGen allele CA4677973.